The following is an entry in ClinVar:

NM_001166108.2(PALLD):c.2027C>T (p.Thr676Ile)

Gene: PALLD (palladin, cytoskeletal associated protein; plus strand). Cytogenetic location: 4q32.3.
Variant type: single nucleotide variant.
Coding change: c.2027C>T on transcript NM_001166108.2 (MANE Select); coding-DNA position 2027, C replaced by T.
Protein change: p.Thr676Ile; replaces threonine 676 with isoleucine.
Molecular consequence: missense variant. On other transcripts: 5 prime UTR variant (4).
Genome position (GRCh38, 1-based): chr4:168,890,984, C>T. VCF-style: chr4-168890984-C-T. GRCh37 (hg19) VCF-style: chr4-169812135-C-T.
Other names: c.881C>T, p.Thr294Ile (NM_001166109.2); c.566C>T, p.Thr189Ile (NM_001166110.2); c.-95C>T (NM_001367567.1, NM_001367568.1, NM_001367569.1 and 1 more transcripts); c.2027C>T, p.Thr676Ile (NM_016081.4); short protein forms T676I, T189I, T294I.
Identifiers: ClinVar variation 1784668 (VCV001784668.2), dbSNP rs368056641, ClinGen allele CA110517287.

ClinVar aggregate classification (germline): Uncertain significance (1 of 4 stars; one submission).

gnomAD v4.1: 3 of 1,613,992 alleles (0.00019%); highest among the groups gnomAD compares: South Asian, 0.0011%; no homozygotes.

Submission:

Ambry Genetics
Classification: Uncertain significance. Last evaluated: 2024-01-28. Review status: criteria provided, single submitter. Criteria: Ambry Variant Classification Scheme 2023. Collection method: clinical testing. Allele origin: germline.
Comment: The p.T676I variant (also known as c.2027C>T), located in coding exon 10 of the PALLD gene, results from a C to T substitution at nucleotide position 2027. The threonine at codon 676 is replaced by isoleucine, an amino acid with similar properties. This amino acid position is conserved. In addition, this alteration is predicted to be tolerated by in silico analysis. Since supporting evidence is limited at this time, the clinical significance of this alteration remains unclear.